The following is an entry in ClinVar:

ClinVar aggregate classification (germline): Uncertain significance (1 of 4 stars; one submission).

Submission:

GeneDx
Classification: Uncertain significance. Last evaluated: 2026-02-27. Review status: criteria provided, single submitter. Criteria: GeneDx Variant Classification Process June 2021. Collection method: clinical testing. Allele origin: germline.
Comment: Not observed at significant frequency in large population cohorts (gnomAD); In silico analysis suggests that this missense variant does not alter protein structure/function; Has not been previously published as pathogenic or benign to our knowledge

NM_182699.4(DDX53):c.646A>G (p.Ile216Val)

Genes: DDX53 (DEAD-box helicase 53; plus strand), PTCHD1-AS (PTCHD1 and PHEX antisense RNA; minus strand). Cytogenetic location: Xp22.11.
Variant type: single nucleotide variant.
Coding change: c.646A>G on transcript NM_182699.4 (MANE Select); coding-DNA position 646, A replaced by G.
Protein change: p.Ile216Val; replaces isoleucine 216 with valine.
Molecular consequence: missense variant.
Genome position (GRCh38, 1-based): chrX:23,000,703, A>G. VCF-style: chrX-23000703-A-G. GRCh37 (hg19) VCF-style: chrX-23018820-A-G.
Other names: short protein forms I216V.
Identifiers: ClinVar variation 5008169 (VCV005008169.1).